The following is an entry in ClinVar:

NM_001009944.3(PKD1):c.858_932del (p.Gly287_Ser311del)

Gene: PKD1 (polycystin 1, transient receptor potential channel interacting; minus strand). Cytogenetic location: 16p13.3.
Variant type: Deletion.
Coding change: c.858_932del on transcript NM_001009944.3 (MANE Select); coding-DNA positions 858 to 932, 75 bases deleted.
Protein change: p.Gly287_Ser311del.
Genome position (GRCh38, 1-based): chr16:2,118,060-2,118,134, 75 bases deleted. GRCh37 (hg19): chr16:2,168,064-2,168,138.
Other names: c.858_932del, p.Gly287_Ser311del (NM_000296.4).
Identifiers: ClinVar variation 3772104 (VCV003772104.13).

ClinVar aggregate classification (germline): Likely pathogenic (1 of 4 stars; one submission).

Submission:

CeGaT Center for Human Genetics Tuebingen
Classification: Likely pathogenic. Last evaluated: 2024-12-01. Review status: criteria provided, single submitter. Criteria: CeGaT Center For Human Genetics Tuebingen Variant Classification Criteria Version 2. Collection method: clinical testing. Allele origin: germline. Affected: yes. Observed: 1 variant allele.
Comment: PKD1: PM2, PM4, PM1:Supporting, PP4